The following is an entry in ClinVar:

NM_015443.4(KANSL1):c.2796G>A (p.Trp932Ter)

Gene: KANSL1 (KAT8 regulatory NSL complex subunit 1). Cytogenetic location: 17q21.31.
Variant type: single nucleotide variant.
Coding change: c.2796G>A on transcript NM_015443.4 (MANE Select); coding-DNA position 2796, G replaced by A.
Protein change: p.Trp932Ter; replaces tryptophan 932 with a stop codon.
Molecular consequence: nonsense.
Genome position (GRCh38, 1-based): chr17:46,033,121, C>T on the plus strand (G>A on the coding strand, the complement: KANSL1 is on the minus strand). VCF-style: chr17-46033121-C-T. GRCh37 (hg19) VCF-style: chr17-44110487-C-T.
Other names: c.2793G>A, p.Trp931Ter (NM_001193465.2, NM_001405856.1, NM_001405857.1 and 1 more transcripts); c.2796G>A, p.Trp932Ter (NM_001193466.2, NM_001379198.1, NM_001405854.1 and 4 more transcripts); c.2694G>A, p.Trp898Ter (NM_001405859.1, NM_001405860.1); c.2691G>A, p.Trp897Ter (NM_001405861.1, NM_001405881.1); c.2607G>A, p.Trp869Ter (NM_001405875.1, NM_001405876.1, NM_001405877.1 and 1 more transcripts); c.2604G>A, p.Trp868Ter (NM_001405879.1, NM_001405880.1); c.1530G>A, p.Trp510Ter (NM_001405882.1); c.1527G>A, p.Trp509Ter (NM_001405883.1); and 2 more; short protein forms W446*, W447*, W509*, W510*, W868*, W869*, W897*, W898*.
Identifiers: ClinVar variation 3347894 (VCV003347894.3).

ClinVar aggregate classification (germline): Pathogenic. Review status: criteria provided, multiple submitters, no conflicts (2 of 4 stars). 3 submissions from 3 submitters: Pathogenic (2). 1 of the submissions does not count toward it. Last evaluated 2025-07-07.

Conditions:
KANSL1-related disorder. Also called: KANSL1-related condition.
Koolen-de Vries syndrome (KDVS). Identifiers: Orphanet 96169, MedGen C1864871, MONDO:0012496, OMIM 610443.

Submissions (3):

3billion
Classification: Pathogenic for Koolen-de Vries syndrome. Last evaluated: 2025-07-07. Review status: criteria provided, single submitter. Criteria: ACMG Guidelines, 2015. Collection method: clinical testing. Allele origin: germline. Affected: yes.
Comment: The variant is not observed in the gnomAD v4.1.0 dataset. Predicted Consequence/Location: Stop-gained (nonsense): predicted to result in a loss or disruption of normal protein function through nonsense-mediated decay (NMD) or protein truncation. Multiple pathogenic variants are reported downstream of the variant. The variant has been reported to be associated with KANSL1-related disorder (ClinVar ID: VCV003347894). Therefore, this variant is classified as Pathogenic according to the recommendation of ACMG/AMP guideline.

Blueprint Genetics
Classification: Pathogenic for KANSL1-related disorders. Last evaluated: 2019-12-31. Review status: criteria provided, single submitter. Criteria: ACMG Guidelines, 2015. Collection method: clinical testing. Allele origin: de novo. Affected: yes. Observed: 1 variant allele.

PreventionGenetics, part of Exact Sciences
Classification: Likely pathogenic for KANSL1-related condition. Last evaluated: 2024-07-20. Review status: no assertion criteria provided. Collection method: clinical testing. Allele origin: germline. Not counted in ClinVar's aggregate classification.
Comment: The KANSL1 c.2796G>A variant is predicted to result in premature protein termination (p.Trp932*). To our knowledge, this variant has not been reported in the literature or in a large population database, indicating this variant is rare. Nonsense variants in KANSL1 are expected to be pathogenic. This variant is interpreted as likely pathogenic.